The following is an entry in ClinVar:

ClinVar aggregate classification (germline): Likely benign (0 of 4 stars; one submission).

Conditions:
MDN1-related disorder. Also called: MDN1-related condition.

Allele frequency attached by ClinVar (database versions not stated): gnomAD exomes 0.00007; TOPMed 0.00009; gnomAD 0.00011; 1000 Genomes Project 30x 0.00016; 1000 Genomes Project 0.00020; ExAC 0.00024.
gnomAD v4.1: 122 of 1,614,168 alleles (0.0076%); highest among the groups gnomAD compares: East Asian, 0.23%; no homozygotes.

Submission:

PreventionGenetics, part of Exact Sciences
Classification: Likely benign for MDN1-related condition. Last evaluated: 2019-08-09. Review status: no assertion criteria provided. Collection method: clinical testing. Allele origin: germline.
Comment: This variant is classified as likely benign based on ACMG/AMP sequence variant interpretation guidelines (Richards et al. 2015 PMID: 25741868, with internal and published modifications).

NM_014611.3(MDN1):c.13395T>C (p.Tyr4465=)

Genes: MDN1 (midasin AAA ATPase 1; minus strand), MDN1-AS1 (MDN1 antisense RNA 1; plus strand). Cytogenetic location: 6q15.
Variant type: single nucleotide variant.
Coding change: c.13395T>C on transcript NM_014611.3 (MANE Select); coding-DNA position 13395, T replaced by C.
Protein change: p.Tyr4465=; no amino-acid change (tyrosine 4465 retained).
Molecular consequence: synonymous variant.
Genome position (GRCh38, 1-based): chr6:89,673,315, A>G on the plus strand (T>C on the coding strand, the complement: MDN1 is on the minus strand). VCF-style: chr6-89673315-A-G. GRCh37 (hg19) VCF-style: chr6-90383034-A-G.
Identifiers: ClinVar variation 3034769 (VCV003034769.2), dbSNP rs201906884, ClinGen allele CA3922825.